The following is an entry in ClinVar:

ClinVar aggregate classification (germline): Uncertain significance (1 of 4 stars; one submission).

Conditions:
CACNA1C-related disorder. Also called: CACNA1C-related condition; CACNA1C-related disorders. Identifiers: MedGen CN381092, MONDO:0700321.

Submission:

PreventionGenetics, part of Exact Sciences
Classification: Uncertain significance for CACNA1C-related condition. Last evaluated: 2023-09-11. Review status: criteria provided, single submitter. Criteria: ACMG Guidelines, 2015. Collection method: clinical testing. Allele origin: germline.
Comment: The CACNA1C c.4343G>A variant is predicted to result in the amino acid substitution p.Gly1448Asp. To our knowledge, this variant has not been reported in the literature or in a large population database, indicating this variant is rare. Although we suspect that this variant may be pathogenic, at this time, the clinical significance of this variant is uncertain due to the absence of conclusive functional and genetic evidence.

NM_000719.7(CACNA1C):c.4343G>A (p.Gly1448Asp)

Gene: CACNA1C (calcium voltage-gated channel subunit alpha1 C; plus strand). Cytogenetic location: 12p13.33.
Variant type: single nucleotide variant.
Coding change: c.4343G>A on transcript NM_000719.7 (MANE Select); coding-DNA position 4343, G replaced by A.
Protein change: p.Gly1448Asp; replaces glycine 1448 with aspartic acid.
Molecular consequence: missense variant.
Genome position (GRCh38, 1-based): chr12:2,664,935, G>A. VCF-style: chr12-2664935-G-A. GRCh37 (hg19) VCF-style: chr12-2774101-G-A.
Other names: c.4487G>A, p.Gly1496Asp (NM_001129827.2, NM_199460.4); c.4409G>A, p.Gly1470Asp (NM_001129829.2); c.4343G>A, p.Gly1448Asp (NM_001129830.3, NM_001129833.2, NM_001129834.2 and 7 more transcripts); c.4427G>A, p.Gly1476Asp (NM_001129831.2); c.4403G>A, p.Gly1468Asp (NM_001129832.2); c.4394G>A, p.Gly1465Asp (NM_001129836.2); c.4310G>A, p.Gly1437Asp (NM_001129837.2, NM_001129838.2, NM_001129846.2 and 1 more transcripts); c.4304G>A, p.Gly1435Asp (NM_001129839.2); and 1 more; short protein forms G1435D, G1437D, G1445D, G1448D, G1465D, G1468D, G1470D, G1476D.
Identifiers: ClinVar variation 2630859 (VCV002630859.1), dbSNP rs2529639665, ClinGen allele CA383375948.